The following is an entry in ClinVar:

ClinVar aggregate classification (germline): Likely benign. Review status: criteria provided, multiple submitters, no conflicts (2 of 4 stars). 6 submissions from 6 submitters: Likely benign (6). Last evaluated 2025-12-08.

Conditions:
Cardiovascular phenotype. Identifiers: MedGen CN230736.
Catecholaminergic polymorphic ventricular tachycardia (CVPT). Also called: Catecholamine-induced polymorphic ventricular tachycardia. Identifiers: Orphanet 3286, MedGen C5574922, MONDO:0017990.
Cardiomyopathy (CMYO). Also called: Cardiomyopathies. Identifiers: Orphanet 167848, MedGen C0878544, MONDO:0004994, HP:0001638. Inheritance: Various modes of inheritance.
Catecholaminergic polymorphic ventricular tachycardia 1. Also called: RYR2-Related Catecholaminergic Polymorphic Ventricular Tachycardia; VENTRICULAR TACHYCARDIA, STRESS-INDUCED POLYMORPHIC 1; VENTRICULAR TACHYCARDIA, CATECHOLAMINERGIC POLYMORPHIC, 1, WITH OR WITHOUT ATRIAL DYSFUNCTION AND/OR DILATED CARDIOMYOPATHY. Identifiers: Orphanet 3286, MedGen C1631597, MONDO:0011484, OMIM 604772.

Allele frequency attached by ClinVar (database versions not stated): gnomAD exomes 0.00001 and 0.00003; ExAC 0.00007; gnomAD 0.00007 and 0.00008; ESP Exome Variant Server 0.00008; TOPMed 0.00009.

Submissions (6):

Labcorp Genetics (formerly Invitae), Labcorp
Classification: Likely benign for Catecholaminergic polymorphic ventricular tachycardia 1. Last evaluated: 2025-12-08. Review status: criteria provided, single submitter. Criteria: Invitae Variant Classification Sherloc (09022015). Collection method: clinical testing. Allele origin: germline.

All of Us Research Program, National Institutes of Health
Classification: Likely benign for Catecholaminergic polymorphic ventricular tachycardia. Last evaluated: 2024-01-11. Review status: criteria provided, single submitter. Criteria: ACMG Guidelines, 2015. Collection method: clinical testing. Allele origin: germline. Inheritance: Autosomal dominant inheritance. Observed: 8 variant alleles, 8 heterozygotes.
Comment: This study involves interpretation of variants in research participants for the purpose of population health screening. Participant phenotype was not available at the time of variant classification. Additional details can be found in publication PMID: 35346344, PMCID: PMC8962531

GeneDx
Classification: Likely benign. Last evaluated: 2021-02-25. Review status: criteria provided, single submitter. Criteria: GeneDx Variant Classification Process June 2021. Collection method: clinical testing. Allele origin: germline. Affected: yes.

Ambry Genetics
Classification: Likely benign for Cardiovascular phenotype. Last evaluated: 2019-12-03. Review status: criteria provided, single submitter. Criteria: Ambry Variant Classification Scheme 2023. Collection method: clinical testing. Allele origin: germline.

Color Diagnostics, LLC DBA Color Health
Classification: Likely benign for Cardiomyopathy. Last evaluated: 2018-12-03. Review status: criteria provided, single submitter. Criteria: ACMG Guidelines, 2015. Collection method: clinical testing. Allele origin: germline.

Laboratory for Molecular Medicine, Mass General Brigham Personalized Medicine
Classification: Likely benign. Last evaluated: 2012-03-19. Review status: criteria provided, single submitter. Criteria: LMM Criteria. Collection method: clinical testing. Allele origin: germline. Observed: 1 variant allele.
Comment: p.Lys3297Lys in exon 68 of RYR2: This variant is not expected to have clinical s ignificance because it does not alter an amino acid residue and is not located w ithin the splice consensus sequence. It has been identified in 1/6608 European A merican chromosomes from a broad population by the NHLBI Exome Sequencing Projec t.

NM_001035.3(RYR2):c.9891G>A (p.Lys3297=)

Gene: RYR2 (ryanodine receptor 2; plus strand). Cytogenetic location: 1q43.
Variant type: single nucleotide variant.
Coding change: c.9891G>A on transcript NM_001035.3 (MANE Select); coding-DNA position 9891, G replaced by A.
Protein change: p.Lys3297=; no amino-acid change (lysine 3297 retained).
Molecular consequence: synonymous variant.
Genome position (GRCh38, 1-based): chr1:237,707,259, G>A. VCF-style: chr1-237707259-G-A. GRCh37 (hg19) VCF-style: chr1-237870559-G-A.
Identifiers: ClinVar variation 178124 (VCV000178124.22), dbSNP rs368661838, ClinGen allele CA011353.